The following is an entry in ClinVar:

ClinVar aggregate classification (germline): Uncertain significance. Review status: criteria provided, multiple submitters, no conflicts (2 of 4 stars). 2 submissions from 2 submitters: Uncertain significance (2). Last evaluated 2022-11-08.

Conditions:
Hereditary cancer-predisposing syndrome. Also called: Hereditary Cancer Syndrome; Hereditary neoplastic syndrome; Neoplastic Syndromes, Hereditary; Tumor predisposition. Identifiers: Orphanet 140162, MedGen C0027672, MeSH D009386, MONDO:0015356.
Familial cancer of breast. Also called: hereditary breast carcinoma; BREAST CANCER, FAMILIAL; Hereditary breast cancer. Identifiers: Orphanet 227535, MedGen C0346153, MONDO:0016419, OMIM 114480. Disease mechanism: loss of function.
Fanconi anemia complementation group J. Also called: BRIP1-Related Fanconi Anemia. Identifiers: Orphanet 84, MedGen C1836860, MONDO:0012187, OMIM 609054.

Submissions (2):

Labcorp Genetics (formerly Invitae), Labcorp
Classification: Uncertain significance for Familial cancer of breast; Fanconi anemia complementation group J. Last evaluated: 2022-11-08. Review status: criteria provided, single submitter. Criteria: Invitae Variant Classification Sherloc (09022015). Collection method: clinical testing. Allele origin: germline.
Comment: In summary, the available evidence is currently insufficient to determine the role of this variant in disease. Therefore, it has been classified as a Variant of Uncertain Significance. Variants that disrupt the consensus splice site are a relatively common cause of aberrant splicing (PMID: 17576681, 9536098). Algorithms developed to predict the effect of sequence changes on RNA splicing suggest that this variant is not likely to affect RNA splicing. ClinVar contains an entry for this variant (Variation ID: 922627). This variant has not been reported in the literature in individuals affected with BRIP1-related conditions. This variant is not present in population databases (gnomAD no frequency). This sequence change falls in intron 5 of the BRIP1 gene. It does not directly change the encoded amino acid sequence of the BRIP1 protein. It affects a nucleotide within the consensus splice site.

Color Diagnostics, LLC DBA Color Health
Classification: Uncertain significance for Hereditary cancer-predisposing syndrome. Last evaluated: 2019-05-02. Review status: criteria provided, single submitter. Criteria: ACMG Guidelines, 2015. Collection method: clinical testing. Allele origin: germline.

Literature cited by the submitters: PubMed 17576681 (cited by Labcorp Genetics (formerly Invitae), Labcorp); PubMed 9536098 (cited by Labcorp Genetics (formerly Invitae), Labcorp).

NM_032043.3(BRIP1):c.507+6C>T

Gene: BRIP1 (BRCA1 interacting DNA helicase 1; minus strand). Cytogenetic location: 17q23.2.
Variant type: single nucleotide variant.
Coding change: c.507+6C>T on transcript NM_032043.3 (MANE Select); 6 bases into the intron after coding-DNA position 507, C replaced by T.
Molecular consequence: intron variant.
Genome position (GRCh38, 1-based): chr17:61,849,123, G>A on the plus strand (C>T on the coding strand, the complement: BRIP1 is on the minus strand). VCF-style: chr17-61849123-G-A. GRCh37 (hg19) VCF-style: chr17-59926484-G-A.
Identifiers: ClinVar variation 922627 (VCV000922627.12), dbSNP rs2078776834, ClinGen allele CA913188889.
Genomic context (GRCh38, chr17:61,849,123, plus strand): 5'-TGATACTTGACTACCATGTTCAGCTGTAACTAACTGGGTTATTTACTGCCAATAAACTCT[G>A]TTTACCTGCTGTGTAGTTTCTAAGGGTCGAATTCTTTTCTTCTCTACTTGAAAATCATCA-3'